The following is an entry in ClinVar:

NM_001142800.2(EYS):c.-219A>G

Gene: EYS (eyes shut homolog; minus strand). Cytogenetic location: 6q12.
Variant type: single nucleotide variant.
Coding change: c.-219A>G on transcript NM_001142800.2 (MANE Select); 219 bases upstream of the start codon, A replaced by G.
Molecular consequence: 5 prime UTR variant.
Genome position (GRCh38, 1-based): chr6:65,495,880, T>C on the plus strand (A>G on the coding strand, the complement: EYS is on the minus strand). VCF-style: chr6-65495880-T-C. GRCh37 (hg19) VCF-style: chr6-66205773-T-C.
Other names: c.-219A>G (NM_001142801.2, NM_001292009.2, NM_198283.2).
Identifiers: ClinVar variation 2186839 (VCV002186839.1), dbSNP rs1766238308, ClinGen allele CA1634250099.

ClinVar aggregate classification (germline): Uncertain significance (1 of 4 stars; one submission).

Allele frequency attached by ClinVar (database versions not stated): TOPMed below 0.00001.

Submission:

Labcorp Genetics (formerly Invitae), Labcorp
Classification: Uncertain significance. Last evaluated: 2022-10-25. Review status: criteria provided, single submitter. Criteria: Invitae Variant Classification Sherloc (09022015). Collection method: clinical testing. Allele origin: germline.
Comment: This variant occurs in a non-coding region of the EYS gene. It does not change the encoded amino acid sequence of the EYS protein. This variant is not present in population databases (gnomAD no frequency). This variant has not been reported in the literature in individuals affected with EYS-related conditions. In summary, the available evidence is currently insufficient to determine the role of this variant in disease. Therefore, it has been classified as a Variant of Uncertain Significance.